The following is an entry in ClinVar:

NM_000548.5(TSC2):c.139-17_139-15del

Gene: TSC2 (TSC complex subunit 2; plus strand). Cytogenetic location: 16p13.3.
Variant type: Microsatellite.
Coding change: c.139-17_139-15del on transcript NM_000548.5 (MANE Select); 17 bases into the intron before coding-DNA position 139 through 15 bases into the intron before coding-DNA position 139, 3 bases deleted (CTT; older notation c.139-17_139-15delCTT).
Molecular consequence: intron variant.
Genome position (GRCh38, 1-based): chr16:2,050,383-2,050,385, CTT deleted; deleting any 3 consecutive bases within chr16:2,050,378-2,050,385 gives the same sequence; the c. name uses the placement nearest the transcript's 3' end. VCF-style (leftmost placement, unchanged base first): chr16-2050377-TTTC-T. GRCh37 (hg19) VCF-style: chr16-2100378-TTTC-T.
Other names: c.139-17_139-15del (NM_001114382.3, NM_021055.3, NM_001370405.1 and 4 more transcripts); c.-88-17_-88-15del (NM_001318831.2); c.-9-17_-9-15del (NM_001318829.2); c.172-17_172-15del (NM_001318832.2).
Identifiers: ClinVar variation 1587279 (VCV001587279.9), dbSNP rs750270314, ClinGen allele CA030003.

ClinVar aggregate classification (germline): Likely benign. Review status: criteria provided, multiple submitters, no conflicts (2 of 4 stars). 2 submissions from 2 submitters: Likely benign (2). Last evaluated 2025-07-22.

Conditions:
Tuberous sclerosis 2 (TSC2). Identifiers: Orphanet 805, MedGen C1860707, MONDO:0013199, OMIM 613254.

Submissions (2):

Labcorp Genetics (formerly Invitae), Labcorp
Classification: Likely benign for Tuberous sclerosis 2. Last evaluated: 2025-07-22. Review status: criteria provided, single submitter. Criteria: Invitae Variant Classification Sherloc (09022015). Collection method: clinical testing. Allele origin: germline.

Myriad Genetics, Inc.
Classification: Likely benign for Tuberous sclerosis 2. Last evaluated: 2025-04-30. Review status: criteria provided, single submitter. Criteria: Myriad Autosomal Dominant, Autosomal Recessive and X-Linked Classification Criteria (2023). Collection method: clinical testing. Allele origin: unknown.
Comment: This variant is considered likely benign. This variant is intronic and is not expected to impact mRNA splicing.